The following is an entry in ClinVar:

ClinVar aggregate classification (germline): Likely benign (1 of 4 stars; one submission).

gnomAD v4.1: 1 of 1,518,866 alleles (0.000066%); highest among the groups gnomAD compares: Non-Finnish European, 0.000088%; no homozygotes.

Submission:

CeGaT Center for Human Genetics Tuebingen
Classification: Likely benign. Last evaluated: 2022-12-01. Review status: criteria provided, single submitter. Criteria: CeGaT Center For Human Genetics Tuebingen Variant Classification Criteria Version 2. Collection method: clinical testing. Allele origin: germline. Affected: yes. Observed: 1 variant allele.
Comment: KLF2: PM2:Supporting, BP4, BP7

NM_016270.4(KLF2):c.774G>A (p.Lys258=)

Gene: KLF2 (KLF transcription factor 2; plus strand). Cytogenetic location: 19p13.11.
Variant type: single nucleotide variant.
Coding change: c.774G>A on transcript NM_016270.4 (MANE Select); coding-DNA position 774, G replaced by A.
Protein change: p.Lys258=; no amino-acid change (lysine 258 retained).
Molecular consequence: synonymous variant.
Genome position (GRCh38, 1-based): chr19:16,325,914, G>A. VCF-style: chr19-16325914-G-A. GRCh37 (hg19) VCF-style: chr19-16436725-G-A.
Identifiers: ClinVar variation 2649510 (VCV002649510.24), dbSNP rs2512914299, ClinGen allele CA506085921.